The following is an entry in ClinVar:

ClinVar aggregate classification (germline): Uncertain significance (1 of 4 stars; one submission).

Conditions:
Bleeding disorder, platelet-type, 25 (BDPLT25). Identifiers: MedGen C5882683, MONDO:0957580, OMIM 620486.

Submission:

MVZ Medizinische Genetik Mainz
Classification: Uncertain significance for Bleeding disorder, platelet-type, 25. Last evaluated: 2025-03-31. Review status: criteria provided, single submitter. Criteria: UK Practice Guidelines For Variant Classification V4 01 2020. Collection method: clinical testing. Allele origin: germline. Inheritance: Autosomal dominant inheritance. Affected: yes. Observed: 1 variant allele.
Comment: ACMG Criteria: PVS1_STR,PM2_SUP

NM_003290.3(TPM4):c.385-2A>G

Gene: TPM4 (tropomyosin 4; plus strand). Cytogenetic location: 19p13.12.
Variant type: single nucleotide variant.
Coding change: c.385-2A>G on transcript NM_003290.3 (MANE Select); the canonical splice acceptor site of the intron before coding-DNA position 385, A replaced by G.
Molecular consequence: splice acceptor variant.
Genome position (GRCh38, 1-based): chr19:16,088,025, A>G. VCF-style: chr19-16088025-A-G. GRCh37 (hg19) VCF-style: chr19-16198835-A-G.
Other names: c.445-2A>G (NM_001367836.1); c.493-2A>G (NM_001145160.2); c.385-2A>G (NM_001367837.2); c.376-2A>G (NM_001367838.1).
Identifiers: ClinVar variation 4526536 (VCV004526536.1).
Genomic context (GRCh38, chr19:16,088,025, plus strand): 5'-GTGGATGGGAGAGGACACGGCTGGTGGGGATCGGGCTCAGCTGGGCCTTTCTGTCTCTGC[A>G]GGTAGCTCGTAAGCTGGTCATCCTGGAGGGTGAGCTGGAGAGGGCAGAGGAGCGTGCGGA-3'